The following is an entry in ClinVar:

ClinVar aggregate classification (germline): Uncertain significance (1 of 4 stars; one submission).

Conditions:
Ataxia-telangiectasia syndrome (AT). Also called: LOUIS-BAR SYNDROME; Cerebello-oculocutaneous telangiectasia; Immunodeficiency with ataxia telangiectasia; Ataxia telangiectasia (A-T); Ataxia-telangiectasia, complementation group D; AT, COMPLEMENTATION GROUP C. Identifiers: Orphanet 100, MedGen C0004135, MONDO:0008840, OMIM 208900.

Submission:

Labcorp Genetics (formerly Invitae), Labcorp
Classification: Uncertain significance for Ataxia-telangiectasia syndrome. Last evaluated: 2023-04-04. Review status: criteria provided, single submitter. Criteria: Invitae Variant Classification Sherloc (09022015). Collection method: clinical testing. Allele origin: germline.
Comment: This sequence change replaces glutamic acid, which is acidic and polar, with aspartic acid, which is acidic and polar, at codon 2924 of the ATM protein (p.Glu2924Asp). This variant is not present in population databases (gnomAD no frequency). This variant has not been reported in the literature in individuals affected with ATM-related conditions. An algorithm developed to predict the effect of missense changes on protein structure and function (PolyPhen-2) suggests that this variant is likely to be disruptive. In summary, the available evidence is currently insufficient to determine the role of this variant in disease. Therefore, it has been classified as a Variant of Uncertain Significance.

NM_000051.4(ATM):c.8772A>T (p.Glu2924Asp)

Genes: ATM (ATM serine/threonine kinase; plus strand), C11orf65 (chromosome 11 open reading frame 65; minus strand). Cytogenetic location: 11q22.3.
Variant type: single nucleotide variant.
Coding change: c.8772A>T on transcript NM_000051.4 (MANE Select); coding-DNA position 8772, A replaced by T.
Protein change: p.Glu2924Asp; replaces glutamic acid 2924 with aspartic acid.
Molecular consequence: missense variant. On other transcripts: intron variant (2).
Genome position (GRCh38, 1-based): chr11:108,353,866, A>T. VCF-style: chr11-108353866-A-T. GRCh37 (hg19) VCF-style: chr11-108224593-A-T.
Other names: c.8772A>T, p.Glu2924Asp (NM_001351834.2); c.640+32054T>A (NM_001330368.2); c.695-18574T>A (NM_001351110.2); short protein forms E2924D.
Identifiers: ClinVar variation 2851933 (VCV002851933.3), dbSNP rs2089519648, ClinGen allele CA382524263.
Genomic context (GRCh38, chr11:108,353,866, plus strand): 5'-GACAGTTCCTTTTAGACTCACCAGAGATATTGTGGATGGCATGGGCATTACGGGTGTTGA[A>T]GGTGTCTTCAGAAGGTAAGTGATATGAAGTAAAGGAGGGAAATAATTTTTGATGTCAAAA-3'
Protein context (NP_000042.3, residues 2914-2934): IVDGMGITGV[Glu2924Asp]GVFRRCCEKT